The following is an entry in ClinVar:

NM_000264.5(PTCH1):c.3728C>T (p.Ala1243Val)

Gene: PTCH1 (patched 1; minus strand). Cytogenetic location: 9q22.32.
Variant type: single nucleotide variant.
Coding change: c.3728C>T on transcript NM_000264.5 (MANE Select); coding-DNA position 3728, C replaced by T.
Protein change: p.Ala1243Val; replaces alanine 1243 with valine.
Molecular consequence: missense variant. On other transcripts: non-coding transcript variant (1).
Genome position (GRCh38, 1-based): chr9:95,449,145, G>A on the plus strand (C>T on the coding strand, the complement: PTCH1 is on the minus strand). VCF-style: chr9-95449145-G-A. GRCh37 (hg19) VCF-style: chr9-98211427-G-A.
Other names: c.3530C>T, p.Ala1177Val (NM_001083602.3); c.3725C>T, p.Ala1242Val (NM_001083603.3); c.3275C>T, p.Ala1092Val (NM_001083604.3, NM_001083605.3, NM_001083606.3 and 1 more transcripts); c.3572C>T, p.Ala1191Val (NM_001354918.2); short protein forms A1092V, A1243V, A1177V, A1191V, A1242V.
Identifiers: ClinVar variation 2910993 (VCV002910993.4), dbSNP rs1173544841, ClinGen allele CA374111053.

ClinVar aggregate classification (germline): Uncertain significance. Review status: criteria provided, multiple submitters, no conflicts (2 of 4 stars). 2 submissions from 2 submitters: Uncertain significance (2). Last evaluated 2025-11-04.

Conditions:
Hereditary cancer-predisposing syndrome. Also called: Neoplastic Syndromes, Hereditary; Tumor predisposition; Hereditary neoplastic syndrome; Hereditary Cancer Syndrome. Identifiers: Orphanet 140162, MedGen C0027672, MeSH D009386, MONDO:0015356.
Gorlin syndrome. Also called: Basal cell nevus syndrome; Nevoid Basal Cell Carcinoma Syndrome. Identifiers: Orphanet 377, MedGen C0004779, MONDO:0007187.

Submissions (2):

Ambry Genetics
Classification: Uncertain significance for Hereditary cancer-predisposing syndrome. Last evaluated: 2025-11-04. Review status: criteria provided, single submitter. Criteria: Ambry Variant Classification Scheme 2023. Collection method: clinical testing. Allele origin: germline.
Comment: The p.A1243V variant (also known as c.3728C>T), located in coding exon 22 of the PTCH1 gene, results from a C to T substitution at nucleotide position 3728. The alanine at codon 1243 is replaced by valine, an amino acid with similar properties. This amino acid position is conserved. In addition, the in silico prediction for this alteration is inconclusive. Based on the available evidence, the clinical significance of this variant remains unclear.

Labcorp Genetics (formerly Invitae), Labcorp
Classification: Uncertain significance for Gorlin syndrome. Last evaluated: 2023-01-31. Review status: criteria provided, single submitter. Criteria: Invitae Variant Classification Sherloc (09022015). Collection method: clinical testing. Allele origin: germline.
Comment: In summary, the available evidence is currently insufficient to determine the role of this variant in disease. Therefore, it has been classified as a Variant of Uncertain Significance. Advanced modeling of protein sequence and biophysical properties (such as structural, functional, and spatial information, amino acid conservation, physicochemical variation, residue mobility, and thermodynamic stability) performed at Invitae indicates that this missense variant is not expected to disrupt PTCH1 protein function. This variant has not been reported in the literature in individuals affected with PTCH1-related conditions. This variant is not present in population databases (gnomAD no frequency). This sequence change replaces alanine, which is neutral and non-polar, with valine, which is neutral and non-polar, at codon 1243 of the PTCH1 protein (p.Ala1243Val).